The following is an entry in ClinVar:

ClinVar aggregate classification (germline): Uncertain significance. Review status: criteria provided, multiple submitters, no conflicts (2 of 4 stars). 3 submissions from 3 submitters: Uncertain significance (3). Last evaluated 2024-03-07.

Conditions:
Hereditary cancer-predisposing syndrome. Also called: Hereditary Cancer Syndrome; Hereditary neoplastic syndrome; Neoplastic Syndromes, Hereditary; Tumor predisposition. Identifiers: Orphanet 140162, MedGen C0027672, MeSH D009386, MONDO:0015356.
Familial cancer of breast. Also called: hereditary breast carcinoma; BREAST CANCER, FAMILIAL; Hereditary breast cancer. Identifiers: Orphanet 227535, MedGen C0346153, MONDO:0016419, OMIM 114480. Disease mechanism: loss of function.
Fanconi anemia complementation group J. Also called: BRIP1-Related Fanconi Anemia. Identifiers: Orphanet 84, MedGen C1836860, MONDO:0012187, OMIM 609054.

Allele frequency attached by ClinVar (database versions not stated): TOPMed 0.00001.

Submissions (3):

Color Diagnostics, LLC DBA Color Health
Classification: Uncertain significance for Hereditary cancer-predisposing syndrome. Last evaluated: 2024-03-07. Review status: criteria provided, single submitter. Criteria: ACMG Guidelines, 2015. Collection method: clinical testing. Allele origin: germline.
Comment: This missense variant replaces asparagine with serine at codon 427 of the BRIP1 protein. Computational prediction suggests that this variant may not impact protein structure and function (internally defined REVEL score threshold <= 0.5, PMID: 27666373). To our knowledge, functional studies have not been reported for this variant. This variant has not been reported in individuals affected with hereditary cancer in the literature. This variant has not been identified in the general population by the Genome Aggregation Database (gnomAD). The available evidence is insufficient to determine the role of this variant in disease conclusively. Therefore, this variant is classified as a Variant of Uncertain Significance.

Labcorp Genetics (formerly Invitae), Labcorp
Classification: Uncertain significance for Familial cancer of breast; Fanconi anemia complementation group J. Last evaluated: 2023-09-12. Review status: criteria provided, single submitter. Criteria: Invitae Variant Classification Sherloc (09022015). Collection method: clinical testing. Allele origin: germline.
Comment: In summary, the available evidence is currently insufficient to determine the role of this variant in disease. Therefore, it has been classified as a Variant of Uncertain Significance. Advanced modeling of protein sequence and biophysical properties (such as structural, functional, and spatial information, amino acid conservation, physicochemical variation, residue mobility, and thermodynamic stability) performed at Invitae indicates that this missense variant is not expected to disrupt BRIP1 protein function. ClinVar contains an entry for this variant (Variation ID: 925448). This variant has not been reported in the literature in individuals affected with BRIP1-related conditions. This variant is not present in population databases (gnomAD no frequency). This sequence change replaces asparagine, which is neutral and polar, with serine, which is neutral and polar, at codon 427 of the BRIP1 protein (p.Asn427Ser).

Ambry Genetics
Classification: Uncertain significance for Hereditary cancer-predisposing syndrome. Last evaluated: 2022-04-21. Review status: criteria provided, single submitter. Criteria: Ambry Variant Classification Scheme 2023. Collection method: clinical testing. Allele origin: germline.
Comment: The p.N427S variant (also known as c.1280A>G), located in coding exon 8 of the BRIP1 gene, results from an A to G substitution at nucleotide position 1280. The asparagine at codon 427 is replaced by serine, an amino acid with highly similar properties. This amino acid position is not well conserved in available vertebrate species. In addition, this alteration is predicted to be tolerated by in silico analysis. Since supporting evidence is limited at this time, the clinical significance of this alteration remains unclear.

NM_032043.3(BRIP1):c.1280A>G (p.Asn427Ser)

Gene: BRIP1 (BRCA1 interacting DNA helicase 1; minus strand). Cytogenetic location: 17q23.2.
Variant type: single nucleotide variant.
Coding change: c.1280A>G on transcript NM_032043.3 (MANE Select); coding-DNA position 1280, A replaced by G.
Protein change: p.Asn427Ser; replaces asparagine 427 with serine.
Molecular consequence: missense variant.
Genome position (GRCh38, 1-based): chr17:61,799,160, T>C on the plus strand (A>G on the coding strand, the complement: BRIP1 is on the minus strand). VCF-style: chr17-61799160-T-C. GRCh37 (hg19) VCF-style: chr17-59876521-T-C.
Other names: short protein forms N427S.
Identifiers: ClinVar variation 925448 (VCV000925448.9), dbSNP rs1466605276, ClinGen allele CA400483537.